The following is an entry in ClinVar:

NM_019112.4(ABCA7):c.6252G>A (p.Glu2084=)

Gene: ABCA7 (ATP binding cassette subfamily A member 7; plus strand). Cytogenetic location: 19p13.3.
Variant type: single nucleotide variant.
Coding change: c.6252G>A on transcript NM_019112.4 (MANE Select); coding-DNA position 6252, G replaced by A.
Protein change: p.Glu2084=; no amino-acid change (glutamic acid 2084 retained).
Molecular consequence: synonymous variant.
Genome position (GRCh38, 1-based): chr19:1,065,138, G>A. VCF-style: chr19-1065138-G-A. GRCh37 (hg19) VCF-style: chr19-1065137-G-A.
Identifiers: ClinVar variation 749787 (VCV000749787.6), dbSNP rs367736927, ClinGen allele CA9035148.

ClinVar aggregate classification (germline): Benign. Review status: criteria provided, single submitter (1 of 4 stars). 2 submissions from 2 submitters: Benign (1). 1 of the submissions does not count toward it. Last evaluated 2019-12-31.

Conditions:
ABCA7-related disorder. Also called: ABCA7-related condition.

Allele frequency attached by ClinVar (database versions not stated): gnomAD exomes 0.00005 and 0.00014; ESP Exome Variant Server 0.00015; ExAC 0.00031; 1000 Genomes Project 0.00040; 1000 Genomes Project 30x 0.00047; gnomAD 0.00076 and 0.00081; TOPMed 0.00085.
gnomAD v4.1: 197 of 1,591,324 alleles (0.012%); highest among the groups gnomAD compares: African/African-American, 0.23%; no homozygotes.

Submissions (2):

Labcorp Genetics (formerly Invitae), Labcorp
Classification: Benign. Last evaluated: 2019-12-31. Review status: criteria provided, single submitter. Criteria: Invitae Variant Classification Sherloc (09022015). Collection method: clinical testing. Allele origin: germline.

PreventionGenetics, part of Exact Sciences
Classification: Likely benign for ABCA7-related condition. Last evaluated: 2020-01-28. Review status: no assertion criteria provided. Collection method: clinical testing. Allele origin: germline. Not counted in ClinVar's aggregate classification.
Comment: This variant is classified as likely benign based on ACMG/AMP sequence variant interpretation guidelines (Richards et al. 2015 PMID: 25741868, with internal and published modifications).